The following is an entry in ClinVar:

ClinVar aggregate classification (germline): Benign/Likely benign. Review status: criteria provided, multiple submitters, no conflicts (2 of 4 stars). 4 submissions from 4 submitters: Benign (1); Likely benign (3). Last evaluated 2025-09-02.

Conditions:
Inborn genetic diseases. Identifiers: MedGen C0950123, MeSH D030342.
Intellectual developmental disorder, X-linked, syndromic, Billuart type. Also called: MENTAL RETARDATION, X-LINKED 60; X-linked intellectual disability-cerebellar hypoplasia syndrome. Identifiers: Orphanet 137831, MedGen C1845366, MONDO:0010337, OMIM 300486.

Allele frequency attached by ClinVar (database versions not stated): ExAC 0.00011; 1000 Genomes Project 0.00026; gnomAD exomes 0.00008 and 0.00010; gnomAD 0.00017 and 0.00016; ESP Exome Variant Server 0.00028; TOPMed 0.00019; 1000 Genomes Project 30x 0.00021.
gnomAD v4.1: 105 of 1,209,357 alleles (0.0087%); highest among the groups gnomAD compares: African/African-American, 0.037%; no homozygotes.

Submissions (5):

Labcorp Genetics (formerly Invitae), Labcorp
Classification: Benign. Last evaluated: 2025-09-02. Review status: criteria provided, single submitter. Criteria: Invitae Variant Classification Sherloc (09022015). Collection method: clinical testing. Allele origin: germline.

Ambry Genetics
Classification: Likely benign for Inborn genetic diseases. Last evaluated: 2025-08-07. Review status: criteria provided, single submitter. Criteria: Ambry Variant Classification Scheme 2023. Collection method: clinical testing. Allele origin: germline.

ARUP Laboratories, Molecular Genetics and Genomics, ARUP Laboratories
Classification: Likely benign for Intellectual developmental disorder, X-linked, syndromic, Billuart type. Last evaluated: 2025-05-01. Review status: criteria provided, single submitter. Criteria: ARUP Molecular Germline Variant Investigation Process 2024. Collection method: clinical testing. Allele origin: germline.

GeneDx
Classification: Likely benign. Last evaluated: 2017-02-02. Review status: criteria provided, single submitter. Criteria: GeneDx Variant Classification (06012015). Collection method: clinical testing. Allele origin: germline. Affected: yes.
Comment: This variant is considered likely benign or benign based on one or more of the following criteria: it is a conservative change, it occurs at a poorly conserved position in the protein, it is predicted to be benign by multiple in silico algorithms, and/or has population frequency not consistent with disease.

Dr. Peter K. Rogan Lab, Western University
No classification provided (evidence only). Condition: Colon adenocarcinoma. Review status: no classification provided. Collection method: in vitro. Allele origin: not applicable. Functional consequence: retained intron. Not counted in ClinVar's aggregate classification.

NM_002547.3(OPHN1):c.2303C>T (p.Ala768Val)

Gene: OPHN1 (oligophrenin 1; minus strand). Cytogenetic location: Xq12.
Variant type: single nucleotide variant.
Coding change: c.2303C>T on transcript NM_002547.3 (MANE Select); coding-DNA position 2303, C replaced by T.
Protein change: p.Ala768Val; replaces alanine 768 with valine.
Molecular consequence: missense variant.
Genome position (GRCh38, 1-based): chrX:68,053,666, G>A on the plus strand (C>T on the coding strand, the complement: OPHN1 is on the minus strand). VCF-style: chrX-68053666-G-A. GRCh37 (hg19) VCF-style: chrX-67273508-G-A.
Other names: short protein forms A768V.
Identifiers: ClinVar variation 507024 (VCV000507024.6), dbSNP rs200659608, ClinGen allele CA10436754.